The following is an entry in ClinVar:

NM_000540.3(RYR1):c.957+5_957+29del

Gene: RYR1 (ryanodine receptor 1; plus strand). Cytogenetic location: 19q13.2.
Variant type: Deletion.
Coding change: c.957+5_957+29del on transcript NM_000540.3 (MANE Select); bases 5 to 29 of the intron after coding-DNA position 957, 25 bases deleted (GTGGGGTTTGTGGCGCCCTCCCTCA).
Molecular consequence: splice donor variant.
Genome position (GRCh38, 1-based): chr19:38,448,516-38,448,540, GTGGGGTTTGTGGCGCCCTCCCTCA deleted; deleting any 25 consecutive bases within chr19:38,448,513-38,448,540 gives the same sequence; the c. name uses the placement nearest the transcript's 3' end. VCF-style (leftmost placement, unchanged base first): chr19-38448512-GTCAGTGGGGTTTGTGGCGCCCTCCC-G. GRCh37 (hg19) VCF-style: chr19-38939152-GTCAGTGGGGTTTGTGGCGCCCTCCC-G.
Other names: c.957+5_957+29delGTGGGGTTTGTGGCGCCCTCCCTCA (NM_000540.2); c.957+5_957+29del25 (NM_000540.2, NM_000540.3); c.957+5_957+29del (NM_001042723.2).
Identifiers: ClinVar variation 193600 (VCV000193600.29), dbSNP rs794726982, ClinGen allele CA073824.
Genomic context (GRCh38, chr19:38,448,512, plus strand): 5'-GTGGTTGACGCCAGCAAGGCTCACACCAAGGCTACCTCCTTCTGCTTCCGCATCTCCAAG[GTCAGTGGGGTTTGTGGCGCCCTCCC>G]TCACCTGAAGCCCCCAGTCCCAGCCCAGCCTGCACTCTGCAGTCCCTCAGGGGGGCTCCC-3'

ClinVar aggregate classification (germline): Uncertain significance. Review status: criteria provided, multiple submitters, no conflicts (2 of 4 stars). 12 submissions from 12 submitters: Uncertain significance (12). Last evaluated 2026-05-01.

Conditions:
RYR1-related disorder. Also called: RYR1-related condition; RYR1-related disorders. Identifiers: MedGen CN239331.
Neuromuscular disease. Also called: Neuromyopathy; Neuromuscular disorder. Identifiers: Orphanet 68381, MedGen C0027868, MeSH D009468, MONDO:0019056.
Malignant hyperthermia, susceptibility to, 1 (MHS1). Also called: Anesthesia related hyperthermia; Malignant hyperpyrexia; Fulminating hyperpyrexia; Pharmacogenic myopathy; Malignant hyperthermia suceptibility 1; RYR1-Related Malignant Hyperthermia Susceptibility. Identifiers: Orphanet 423, MedGen C2930980, MONDO:0007783, OMIM 145600.

Submissions (12):

CeGaT Center for Human Genetics Tuebingen
Classification: Uncertain significance. Last evaluated: 2026-05-01. Review status: criteria provided, single submitter. Criteria: CeGaT Center For Human Genetics Tuebingen Variant Classification Criteria Version 2. Collection method: clinical testing. Allele origin: germline. Affected: yes. Observed: 3 variant alleles.
Comment: RYR1: PS4:Moderate, PM2:Supporting

Women's Health and Genetics/Laboratory Corporation of America, LabCorp
Classification: Uncertain significance. Last evaluated: 2026-02-24. Review status: criteria provided, single submitter. Criteria: LabCorp Variant Classification Summary - May 2015. Collection method: clinical testing. Allele origin: germline.
Comment: Variant summary: RYR1 c.957+5_957+29del25 alters a nucleotide located close to a canonical splice site and therefore could affect mRNA splicing, leading to a significantly altered protein sequence. Several computational tools predict a significant impact on normal splicing: One predict the variant abolishes a 5' splicing donor site. Three predict the variant weakens a 5' donor site. However, these predictions have yet to be confirmed by functional studies. The variant allele was found at a frequency of 0.00036 in 251206 control chromosomes. This frequency is not significantly higher than estimated for disease-causing variants in RYR1, allowing no conclusion about variant significance. c.957+5_957+29del25 has been observed in individuals affected with variable degree of exercise-induced myalgia and/or rhabdomyolysis (Dlamini_2013, Snoeck_2015, Invernizzi_2023, internal data). This variant has also been observed in an asymptomatic individual (Snoeck_2015). Since the penetrance of Congenital multicore myopathy with external ophthalmoplegia due to this variant appears to be lower than expected, no conclusions can be drawn from these data. To our knowledge, no experimental evidence demonstrating an impact on protein function has been reported. The following publications have been ascertained in the context of this evaluation (PMID: 23628358, 37510298, 25960145). ClinVar contains an entry for this variant (Variation ID: 193600). Based on the evidence outlined above, the variant was classified as uncertain significance.

3billion
Classification: Uncertain significance for RYR1-related disorder. Last evaluated: 2026-01-28. Review status: criteria provided, single submitter. Criteria: ACMG Guidelines, 2015. Collection method: clinical testing. Allele origin: germline. Affected: yes.
Comment: The variant is observed at an extremely low frequency in the gnomAD v4.1.0 dataset (total allele frequency: 0.056%). Predicted Consequence/Location: Canonical splice site: predicted to alter splicing and result in a loss or disruption of normal protein function. Multiple pathogenic loss-of-function variants are reported downstream of the variant. In silico tools predict the variant to alter splicing and produce an abnormal transcript [SpliceAI: 0.24 (spliceogenicity >=0.2, non-spliceogenicity <0.1)]. The variant has been reported to be associated with RYR1-related disorder (PMID: 23628358). However, the evidence of pathogenicity is insufficient at this time. Therefore, this variant is classified as VUS according to the recommendation of ACMG/AMP guideline.

Color Diagnostics, LLC DBA Color Health
Classification: Uncertain significance for Malignant hyperthermia, susceptibility to, 1. Last evaluated: 2025-11-26. Review status: criteria provided, single submitter. Criteria: ACMG Guidelines, 2015. Collection method: clinical testing. Allele origin: germline.
Comment: This variant causes the deletion of 25 nucleotides in intron 10 of the RYR1 gene. Splice site prediction tools suggest that this variant weakens the intron 10 splice donor site (PMID: 30661751, 35449021). To our knowledge, RNA and functional studies have not been reported for this variant. This variant has not been reported in individuals affected with malignant hyperthermia in the literature, although it has been reported in individuals affected with other phenotypes (ClinVar Variation ID: 193600, PMID: 23628358, 25960145, 37510298). This variant has been identified in 906/1613974 chromosomes in the general population by the Genome Aggregation Database (gnomAD). Due to insufficient evidence, this variant is classified as a Variant of Uncertain Significance for autosomal dominant malignant hyperthermia.

Revvity Omics, Revvity
Classification: Uncertain significance. Last evaluated: 2025-06-13. Review status: criteria provided, single submitter. Criteria: ACMG Guidelines, 2015. Collection method: clinical testing. Allele origin: germline.

GeneDx
Classification: Uncertain significance. Last evaluated: 2025-05-07. Review status: criteria provided, single submitter. Criteria: GeneDx Variant Classification Process June 2021. Collection method: clinical testing. Allele origin: germline. Affected: yes.
Comment: Reported previously in individuals from a single family with rhabdomyolysis, exertional myalgia, and elevated CK levels (PMID: 23628358); Reported previously as a variant of uncertain significance in a fetus with structural abnormalities who also harbored variants in other genes (PMID: 36068917); In silico analysis supports a deleterious effect on splicing; This variant is associated with the following publications: (PMID: 27663056, 25960145, 23628358, 30842289, 33190635, 37510298, 36068917, 16917943, 36920765)

Labcorp Genetics (formerly Invitae), Labcorp
Classification: Uncertain significance for RYR1-related disorder. Last evaluated: 2025-01-25. Review status: criteria provided, single submitter. Criteria: Invitae Variant Classification Sherloc (09022015). Collection method: clinical testing. Allele origin: germline.
Comment: This sequence change falls in intron 10 of the RYR1 gene. It does not directly change the encoded amino acid sequence of the RYR1 protein. It affects a nucleotide within the consensus splice site. This variant is present in population databases (rs752290298, gnomAD 0.06%). This variant has been observed in individual(s) with clinical features of autosomal recessive RYR1-related conditions (PMID: 23628358, 25960145, 37510298; internal data). ClinVar contains an entry for this variant (Variation ID: 193600). Variants that disrupt the consensus splice site are a relatively common cause of aberrant splicing (PMID: 17576681, 9536098). In summary, the available evidence is currently insufficient to determine the role of this variant in disease. Therefore, it has been classified as a Variant of Uncertain Significance.

Molecular Genetics, Royal Melbourne Hospital
Classification: Uncertain significance for Malignant hyperthermia, susceptibility to, 1. Last evaluated: 2023-07-07. Review status: criteria provided, single submitter. Criteria: ACMG Guidelines, 2015. Collection method: clinical testing. Allele origin: germline. Inheritance: Autosomal dominant inheritance. Affected: yes.
Comment: This sequence change in RYR1 is an intronic variant located in intron 10. The highest population minor allele frequency in the population database gnomAD v2.1 is 0.06% (74/128,986 alleles) in the European (non-Finnish) population. This variant has been reported in at least two families with recurrent rhabdomyolysis, and segregates with rhabdomyolysis in one of these families (PMID: 23628358, 25960145). The results from an in silico splicing predictor (SpliceAI) indicate that this variant supports neither a deleterious nor benign impact on the donor splice site of intron 10 of RYR1. Based on the classification scheme RMH Modified ACMG Guidelines v1.6.1, this variant is classified as a VARIANT OF UNCERTAIN SIGNIFICANCE. Following criteria are met: none.

Johns Hopkins Genomics, Johns Hopkins University
Classification: Uncertain significance for Neuromuscular disease. Last evaluated: 2022-03-27. Review status: criteria provided, single submitter. Criteria: ACMG Guidelines, 2015. Collection method: clinical testing. Allele origin: germline.
Comment: This RYR1 variant (rs794726982) is rare (<0.1%) in a large population dataset (gnomAD: 102/282552 total alleles; 0.036%; no homozygotes) and has been reported in ClinVar. This variant has been reported in two family members with exertional myalgia and rhabdomyolysis. This 25 bp deletion* is located in the splice donor region of intron 10. Bioinformatic analysis predicts that this variant would affect RNA splicing, although this has not been confirmed experimentally to our knowledge. Due to insufficient evidence, we consider the clinical significance of c.957+5_957+29del to be uncertain at this time.

Laboratory for Molecular Medicine, Mass General Brigham Personalized Medicine
Classification: Uncertain significance. Last evaluated: 2016-03-28. Review status: criteria provided, single submitter. Criteria: LMM Criteria. Collection method: clinical testing. Allele origin: germline.
Comment: Variant identified in a genome or exome case(s) and assessed due to predicted null impact of the variant or pathogenic assertions in the literature or databases. Disclaimer: This variant has not undergone full assessment. The following are preliminary notes: Intronic deletion, possible weak splice impact; ExAC: 0.1% (12/11570) Latino chromosomes (does not pass quality filter)

PreventionGenetics, part of Exact Sciences
Classification: Uncertain significance. Last evaluated: 2016-02-03. Review status: criteria provided, single submitter. Criteria: ACMG Guidelines, 2015. Collection method: clinical testing. Allele origin: germline.

Eurofins Ntd Llc (ga)
Classification: Uncertain significance. Last evaluated: 2014-12-08. Review status: criteria provided, single submitter. Criteria: EGL Classification Definitions 2015. Collection method: clinical testing. Allele origin: germline. Observed: 1 variant allele, 1 heterozygote.

Literature cited by the submitters: PubMed 25960145 (cited by 3 submitters); PubMed 37510298 (cited by Women's Health and Genetics/Laboratory Corporation of America, LabCorp and Labcorp Genetics (formerly Invitae), Labcorp); PubMed 23628358 (cited by 5 submitters); PubMed 30661751 (cited by Color Diagnostics, LLC DBA Color Health); PubMed 35449021 (cited by Color Diagnostics, LLC DBA Color Health); PubMed 17576681 (cited by Labcorp Genetics (formerly Invitae), Labcorp); PubMed 9536098 (cited by Labcorp Genetics (formerly Invitae), Labcorp); PubMed 16917943 (cited by Johns Hopkins Genomics, Johns Hopkins University); PubMed 30842289 (cited by Johns Hopkins Genomics, Johns Hopkins University); PubMed 33190635 (cited by Johns Hopkins Genomics, Johns Hopkins University).